The following is an entry in ClinVar:

ClinVar aggregate classification (germline): Uncertain significance. Review status: criteria provided, multiple submitters, no conflicts (2 of 4 stars). 3 submissions from 3 submitters: Uncertain significance (3). Last evaluated 2025-05-11.

Conditions:
Aicardi-Goutieres syndrome 6 (AGS6). Identifiers: Orphanet 51, MedGen C3539013, MONDO:0014007, OMIM 615010.
Symmetrical dyschromatosis of extremities (DSH). Also called: RETICULATE ACROPIGMENTATION OF DOHI; SYMMETRIC DYSCHROMATOSIS OF THE EXTREMITIES; Dyschromatosis symmetrica hereditaria; DYSCHROMATOSIS SYMMETRICA HEREDITARIA 1. Identifiers: Orphanet 41, MedGen C0406775, MONDO:0007483, OMIM 127400.

Allele frequency attached by ClinVar (database versions not stated): TOPMed below 0.00001; ExAC 0.00001; gnomAD 0.00001; gnomAD exomes 0.00001.
gnomAD v4.1: 6 of 1,612,408 alleles (0.00037%); highest among the groups gnomAD compares: Non-Finnish European, 0.00051%; no homozygotes.

Submissions (3):

Labcorp Genetics (formerly Invitae), Labcorp
Classification: Uncertain significance for Aicardi-Goutieres syndrome 6; Symmetrical dyschromatosis of extremities. Last evaluated: 2025-05-11. Review status: criteria provided, single submitter. Criteria: Invitae Variant Classification Sherloc (09022015). Collection method: clinical testing. Allele origin: germline.
Comment: This sequence change replaces histidine, which is basic and polar, with glutamine, which is neutral and polar, at codon 354 of the ADAR protein (p.His354Gln). This variant is not present in population databases (gnomAD no frequency). This variant has not been reported in the literature in individuals affected with ADAR-related conditions. ClinVar contains an entry for this variant (Variation ID: 959879). Invitae Evidence Modeling of protein sequence and biophysical properties (such as structural, functional, and spatial information, amino acid conservation, physicochemical variation, residue mobility, and thermodynamic stability) indicates that this missense variant is not expected to disrupt ADAR protein function with a negative predictive value of 80%. In summary, the available evidence is currently insufficient to determine the role of this variant in disease. Therefore, it has been classified as a Variant of Uncertain Significance.

Genome-Nilou Lab
Classification: Uncertain significance for Aicardi-Goutieres syndrome 6. Last evaluated: 2023-04-11. Review status: criteria provided, single submitter. Criteria: ACMG Guidelines, 2015. Collection method: clinical testing. Allele origin: germline. Affected: no.

Fulgent Genetics
Classification: Uncertain significance for Symmetrical dyschromatosis of extremities; Aicardi-Goutieres syndrome 6. Last evaluated: 2021-11-08. Review status: criteria provided, single submitter. Criteria: ACMG Guidelines, 2015. Collection method: clinical testing. Allele origin: unknown.

NM_001111.5(ADAR):c.1062T>G (p.His354Gln)

Gene: ADAR (adenosine deaminase RNA specific; minus strand). Cytogenetic location: 1q21.3.
Variant type: single nucleotide variant.
Coding change: c.1062T>G on transcript NM_001111.5 (MANE Select); coding-DNA position 1062, T replaced by G.
Protein change: p.His354Gln; replaces histidine 354 with glutamine.
Molecular consequence: missense variant.
Genome position (GRCh38, 1-based): chr1:154,601,580, A>C on the plus strand (T>G on the coding strand, the complement: ADAR is on the minus strand). VCF-style: chr1-154601580-A-C. GRCh37 (hg19) VCF-style: chr1-154574056-A-C.
Other names: c.177T>G, p.His59Gln (NM_001025107.3, NM_001193495.2, NM_001365046.1 and 3 more transcripts); c.1089T>G, p.His363Gln (NM_001365045.1); c.1062T>G, p.His354Gln (NM_015840.4, NM_015841.4); short protein forms H354Q, H59Q, H363Q.
Identifiers: ClinVar variation 959879 (VCV000959879.11), dbSNP rs767103774, ClinGen allele CA1131594.